The following is an entry in ClinVar:

NM_001543.5(NDST1):c.1680A>G (p.Thr560=)

Gene: NDST1 (N-deacetylase and N-sulfotransferase 1; plus strand). Cytogenetic location: 5q33.1.
Variant type: single nucleotide variant.
Coding change: c.1680A>G on transcript NM_001543.5 (MANE Select); coding-DNA position 1680, A replaced by G.
Protein change: p.Thr560=; no amino-acid change (threonine 560 retained).
Molecular consequence: synonymous variant.
Genome position (GRCh38, 1-based): chr5:150,540,195, A>G. VCF-style: chr5-150540195-A-G. GRCh37 (hg19) VCF-style: chr5-149919757-A-G.
Other names: c.1680A>G, p.Thr560= (NM_001301063.2).
Identifiers: ClinVar variation 3067533 (VCV003067533.21), dbSNP rs2479990420, ClinGen allele CA447163915.

ClinVar aggregate classification (germline): Likely benign (1 of 4 stars; one submission).

Submission:

CeGaT Center for Human Genetics Tuebingen
Classification: Likely benign. Last evaluated: 2024-03-01. Review status: criteria provided, single submitter. Criteria: CeGaT Center For Human Genetics Tuebingen Variant Classification Criteria Version 2. Collection method: clinical testing. Allele origin: germline. Affected: yes. Observed: 1 variant allele.
Comment: NDST1: PM2:Supporting, BP4, BP7